The following is an entry in ClinVar:

NM_033026.6(PCLO):c.10102C>T (p.Pro3368Ser)

Gene: PCLO (piccolo presynaptic cytomatrix protein; minus strand). Cytogenetic location: 7q21.11.
Variant type: single nucleotide variant.
Coding change: c.10102C>T on transcript NM_033026.6 (MANE Select); coding-DNA position 10102, C replaced by T.
Protein change: p.Pro3368Ser; replaces proline 3368 with serine.
Molecular consequence: missense variant.
Genome position (GRCh38, 1-based): chr7:82,950,486, G>A on the plus strand (C>T on the coding strand, the complement: PCLO is on the minus strand). VCF-style: chr7-82950486-G-A. GRCh37 (hg19) VCF-style: chr7-82579802-G-A.
Other names: c.10102C>T, p.Pro3368Ser (NM_014510.3); c.10102C>T (NM_033026.5); short protein forms P3368S.
Identifiers: ClinVar variation 1494630 (VCV001494630.6), dbSNP rs368728137, ClinGen allele CA4319795.

ClinVar aggregate classification (germline): Uncertain significance. Review status: criteria provided, multiple submitters, no conflicts (2 of 4 stars). 2 submissions from 2 submitters: Uncertain significance (2). Last evaluated 2025-09-24.

Conditions:
Inborn genetic diseases. Identifiers: MedGen C0950123, MeSH D030342.

Allele frequency attached by ClinVar (database versions not stated): TOPMed below 0.00001; ExAC 0.00001; gnomAD exomes 0.00001 and 0.00002; gnomAD 0.00001.
gnomAD v4.1: 18 of 1,613,712 alleles (0.0011%); highest among the groups gnomAD compares: South Asian, 0.0077%; no homozygotes.

Submissions (2):

Ambry Genetics
Classification: Uncertain significance for Inborn genetic diseases. Last evaluated: 2025-09-24. Review status: criteria provided, single submitter. Criteria: Ambry Variant Classification Scheme 2023. Collection method: clinical testing. Allele origin: germline.

Labcorp Genetics (formerly Invitae), Labcorp
Classification: Uncertain significance. Last evaluated: 2024-09-05. Review status: criteria provided, single submitter. Criteria: Invitae Variant Classification Sherloc (09022015). Collection method: clinical testing. Allele origin: germline.
Comment: This sequence change replaces proline, which is neutral and non-polar, with serine, which is neutral and polar, at codon 3368 of the PCLO protein (p.Pro3368Ser). This variant is present in population databases (rs368728137, gnomAD 0.01%). This variant has not been reported in the literature in individuals affected with PCLO-related conditions. ClinVar contains an entry for this variant (Variation ID: 1494630). Experimental studies and prediction algorithms are not available or were not evaluated, and the functional significance of this variant is currently unknown. In summary, the available evidence is currently insufficient to determine the role of this variant in disease. Therefore, it has been classified as a Variant of Uncertain Significance.